The following is an entry in ClinVar:

ClinVar aggregate classification (germline): Uncertain significance (0 of 4 stars; one submission).

Conditions:
Macrothrombocytopenia. Identifiers: MedGen C2751260, HP:0040185.

Submission:

ISTH-SSC Genomics in Thrombosis and Hemostasis, KU Leuven, Center for Molecular and Vascular Biology
Classification: Uncertain significance for Macrothrombocytopenia. Review status: no assertion criteria provided. Collection method: research. Allele origin: unknown. Affected: yes.
Comment: Submitted to GoldVariant by Neil Morgan from Birmingham Platelet Group, Birmingham, UK

NM_001110556.2(FLNA):c.7583A>T (p.His2528Leu)

Genes: FLNA (filamin A; minus strand), LOC107988032 (Xq28 proximal FLNA-EMD recombination region; plus strand). Cytogenetic location: Xq28.
Variant type: single nucleotide variant.
Coding change: c.7583A>T on transcript NM_001110556.2 (MANE Select); coding-DNA position 7583, A replaced by T.
Protein change: p.His2528Leu; replaces histidine 2528 with leucine.
Molecular consequence: missense variant.
Genome position (GRCh38, 1-based): chrX:154,349,535, T>A on the plus strand (A>T on the coding strand, the complement: FLNA is on the minus strand). VCF-style: chrX-154349535-T-A. GRCh37 (hg19) VCF-style: chrX-153577903-T-A.
Other names: c.7559A>T, p.His2520Leu (NM_001456.4); short protein forms H2520L, H2528L.
Identifiers: ClinVar variation 1684467 (VCV001684467.1), dbSNP rs2148100535, ClinGen allele CA415180924.